The following is an entry in ClinVar:

NM_152564.5(VPS13B):c.6345_6346del (p.Gln2115fs)

Gene: VPS13B (vacuolar protein sorting 13 homolog B; plus strand). Cytogenetic location: 8q22.2.
Variant type: Deletion.
Coding change: c.6345_6346del on transcript NM_152564.5 (MANE Select); coding-DNA positions 6345 to 6346, 2 bases deleted (GA; older notation c.6345_6346delGA).
Protein change: p.Gln2115fs; shifts the reading frame from glutamine 2115.
Molecular consequence: frameshift variant.
Genome position (GRCh38, 1-based): chr8:99,699,823-99,699,824, GA deleted; deleting any 2 consecutive bases within chr8:99,699,822-99,699,824 gives the same sequence; the c. name uses the placement nearest the transcript's 3' end. VCF-style (leftmost placement, unchanged base first): chr8-99699821-CAG-C. GRCh37 (hg19) VCF-style: chr8-100712049-CAG-C.
Other names: c.6420_6421delGA (NM_017890.4); c.6420_6421del, p.Gln2140fs (NM_017890.5); short protein forms Q2115fs, Q2140fs.
Identifiers: ClinVar variation 56681 (VCV000056681.2), dbSNP rs386834101, ClinGen allele CA264111.

ClinVar aggregate classification (germline): Likely pathogenic (0 of 4 stars; one submission).

Conditions:
Cohen syndrome (COH1). Also called: PEPPER SYNDROME; Cutis verticis gyrata, retinitis pigmentosa, and sensorineural deafness. Identifiers: Orphanet 193, MedGen C0265223, MONDO:0008999, OMIM 216550.

Submission:

Juha Muilu Group; Institute for Molecular Medicine Finland (FIMM)
Classification: Likely pathogenic for Cohen syndrome. Review status: no assertion criteria provided. Collection method: not provided. Allele origin: unknown.
Comment: FinDis database variant: This variant was not found or characterized by our laboratory, data were collected from public sources: see reference
ClinVar note: Converted during submission from probable-pathogenic to Likely pathogenic.